The following is an entry in ClinVar:

ClinVar aggregate classification (germline): Benign. Review status: criteria provided, single submitter (1 of 4 stars). 2 submissions from 2 submitters: Benign (1). 1 of the submissions does not count toward it. Last evaluated 2025-10-16.

Conditions:
Cognitive impairment - coarse facies - heart defects - obesity - pulmonary involvement - short stature - skeletal dysplasia syndrome. Also called: COGNITIVE IMPAIRMENT, COARSE FACIES, HEART DEFECTS, OBESITY, PULMONARY INVOLVEMENT, SHORT STATURE, AND SKELETAL DYSPLASIA; Chops syndrome; AFF4-Related CHOPS Syndrome. Identifiers: Orphanet 444077, MedGen C4085597, MONDO:0014609, OMIM 616368.
AFF4-related disorder. Also called: AFF4-related condition.

Allele frequency attached by ClinVar (database versions not stated): gnomAD exomes 0.00003 and 0.00007; ExAC 0.00009; gnomAD 0.00029 and 0.00033; TOPMed 0.00044; ESP Exome Variant Server 0.00046.

Submissions (2):

Labcorp Genetics (formerly Invitae), Labcorp
Classification: Benign for Cognitive impairment - coarse facies - heart defects - obesity - pulmonary involvement - short stature - skeletal dysplasia syndrome. Last evaluated: 2025-10-16. Review status: criteria provided, single submitter. Criteria: Invitae Variant Classification Sherloc (09022015). Collection method: clinical testing. Allele origin: germline.

PreventionGenetics, part of Exact Sciences
Classification: Likely benign for AFF4-related condition. Last evaluated: 2024-09-02. Review status: no assertion criteria provided. Collection method: clinical testing. Allele origin: germline. Not counted in ClinVar's aggregate classification.
Comment: This variant is classified as likely benign based on ACMG/AMP sequence variant interpretation guidelines (Richards et al. 2015 PMID: 25741868, with internal and published modifications).

NM_014423.4(AFF4):c.919-7T>G

Gene: AFF4 (ALF transcription elongation factor 4; minus strand). Cytogenetic location: 5q31.1.
Variant type: single nucleotide variant.
Coding change: c.919-7T>G on transcript NM_014423.4 (MANE Select); 7 bases into the intron before coding-DNA position 919, T replaced by G.
Molecular consequence: intron variant.
Genome position (GRCh38, 1-based): chr5:132,932,229, A>C on the plus strand (T>G on the coding strand, the complement: AFF4 is on the minus strand). VCF-style: chr5-132932229-A-C. GRCh37 (hg19) VCF-style: chr5-132267921-A-C.
Identifiers: ClinVar variation 728150 (VCV000728150.9), dbSNP rs369449554, ClinGen allele CA3409324.